The following is an entry in ClinVar:

ClinVar aggregate classification (germline): Uncertain significance (1 of 4 stars; one submission).

Conditions:
Monogenic diabetes. Identifiers: Orphanet 183625, MedGen C3888631, MONDO:0015967.

Allele frequency attached by ClinVar (database versions not stated): TOPMed 0.00001.
gnomAD v4.1: 2 of 1,505,358 alleles (0.00013%); highest among the groups gnomAD compares: African/African-American, 0.0029%; no homozygotes.

Submission:

Personalized Diabetes Medicine Program, University of Maryland School of Medicine
Classification: Uncertain significance for Monogenic diabetes. Last evaluated: 2017-06-16. Review status: criteria provided, single submitter. Criteria: ACMG Guidelines, 2015. Collection method: research. Allele origin: unknown. Observed: 1 variant allele, 1 heterozygote. Study: Personalized Diabetes Medicine Program.
Comment: ACMG Criteria:PP3 (4 predictors), BP4 (7 predictors), PM2 (absent db)

NM_000209.4(PDX1):c.728C>G (p.Pro243Arg)

Gene: PDX1 (pancreatic and duodenal homeobox 1; plus strand). Cytogenetic location: 13q12.2.
Variant type: single nucleotide variant.
Coding change: c.728C>G on transcript NM_000209.4 (MANE Select); coding-DNA position 728, C replaced by G.
Protein change: p.Pro243Arg; replaces proline 243 with arginine.
Molecular consequence: missense variant.
Genome position (GRCh38, 1-based): chr13:27,924,577, C>G. VCF-style: chr13-27924577-C-G. GRCh37 (hg19) VCF-style: chr13-28498714-C-G.
Other names: short protein forms P243R.
Identifiers: ClinVar variation 549542 (VCV000549542.2), dbSNP rs1444351717, ClinGen allele CA387646530.